The following is an entry in ClinVar:

NM_021098.3(CACNA1H):c.2687G>A (p.Arg896His)

Gene: CACNA1H (calcium voltage-gated channel subunit alpha1 H; plus strand). Cytogenetic location: 16p13.3.
Variant type: single nucleotide variant.
Coding change: c.2687G>A on transcript NM_021098.3 (MANE Select); coding-DNA position 2687, G replaced by A.
Protein change: p.Arg896His; replaces arginine 896 with histidine.
Molecular consequence: missense variant.
Genome position (GRCh38, 1-based): chr16:1,206,187, G>A. VCF-style: chr16-1206187-G-A. GRCh37 (hg19) VCF-style: chr16-1256187-G-A.
Other names: c.2687G>A, p.Arg896His (NM_001005407.2); short protein forms R896H.
Identifiers: ClinVar variation 834466 (VCV000834466.9), dbSNP rs1356449722, ClinGen allele CA394168923.

ClinVar aggregate classification (germline): Uncertain significance (1 of 4 stars; one submission).

Conditions:
Idiopathic generalized epilepsy. Also called: Generalised epilepsy; EIG. Identifiers: MedGen C0270850, MONDO:0005579, OMIM 600669.
Hyperaldosteronism, familial, type IV (HALD4). Also called: FH IV; ALDOSTERONISM, PRIMARY, AND HYPERTENSION. Identifiers: Orphanet 642671, MedGen C4310756, MONDO:0014875, OMIM 617027.

Allele frequency attached by ClinVar (database versions not stated): TOPMed 0.00001; gnomAD 0.00002; gnomAD exomes 0.00003.
gnomAD v4.1: 18 of 1,591,030 alleles (0.0011%); highest among the groups gnomAD compares: South Asian, 0.0023%; no homozygotes.

Submission:

Labcorp Genetics (formerly Invitae), Labcorp
Classification: Uncertain significance for Idiopathic generalized epilepsy; Hyperaldosteronism, familial, type IV. Last evaluated: 2022-08-10. Review status: criteria provided, single submitter. Criteria: Invitae Variant Classification Sherloc (09022015). Collection method: clinical testing. Allele origin: germline.
Comment: This sequence change replaces arginine, which is basic and polar, with histidine, which is basic and polar, at codon 896 of the CACNA1H protein (p.Arg896His). The frequency data for this variant in the population databases is considered unreliable, as metrics indicate poor data quality at this position in the gnomAD database. This variant has not been reported in the literature in individuals affected with CACNA1H-related conditions. ClinVar contains an entry for this variant (Variation ID: 834466). Advanced modeling of protein sequence and biophysical properties (such as structural, functional, and spatial information, amino acid conservation, physicochemical variation, residue mobility, and thermodynamic stability) performed at Invitae indicates that this missense variant is expected to disrupt CACNA1H protein function. In summary, the available evidence is currently insufficient to determine the role of this variant in disease. Therefore, it has been classified as a Variant of Uncertain Significance.